The following is an entry in ClinVar:

NM_003924.4(PHOX2B):c.620G>T (p.Ser207Ile)

Gene: PHOX2B (paired like homeobox 2B; minus strand). Cytogenetic location: 4p13.
Variant type: single nucleotide variant.
Coding change: c.620G>T on transcript NM_003924.4 (MANE Select); coding-DNA position 620, G replaced by T.
Protein change: p.Ser207Ile; replaces serine 207 with isoleucine.
Molecular consequence: missense variant.
Genome position (GRCh38, 1-based): chr4:41,746,132, C>A on the plus strand (G>T on the coding strand, the complement: PHOX2B is on the minus strand). VCF-style: chr4-41746132-C-A. GRCh37 (hg19) VCF-style: chr4-41748149-C-A.
Other names: short protein forms S207I.
Identifiers: ClinVar variation 2888827 (VCV002888827.4), dbSNP rs2552096855, ClinGen allele CA356737676.
Genomic context (GRCh38, chr4:41,746,132, plus strand): 5'-GCCGCCCCCGGAGCTCCAGCCGGGCTGGGCCCGCCGCCGCCGCCTCCATTCGCCCCGCAG[C>A]TGGGGGTGGGGTTGGGATTGGGACCTGGGCCCCCAGTGCTGTCCGGGTCAGTGCTCTTGG-3'
Protein context (NP_003915.2, residues 197-217): GPGPNPNPTP[Ser207Ile]CGANGGGGGG

ClinVar aggregate classification (germline): Uncertain significance. Review status: criteria provided, multiple submitters, no conflicts (2 of 4 stars). 2 submissions from 2 submitters: Uncertain significance (2). Last evaluated 2026-03-10.

Conditions:
Hereditary cancer-predisposing syndrome. Also called: Tumor predisposition; Neoplastic Syndromes, Hereditary; Hereditary Cancer Syndrome; Hereditary neoplastic syndrome. Identifiers: Orphanet 140162, MedGen C0027672, MeSH D009386, MONDO:0015356.
Haddad syndrome (OHD). Also called: Ondine-Hirschsprung disease. Identifiers: Orphanet 99803, MedGen C1859049, MONDO:0020493.

Allele frequency attached by ClinVar (database versions not stated): gnomAD exomes 0.00001.
gnomAD v4.1: 10 of 1,601,840 alleles (0.00062%); highest among the groups gnomAD compares: Non-Finnish European, 0.00085%; no homozygotes.

Submissions (2):

Ambry Genetics
Classification: Uncertain significance for Hereditary cancer-predisposing syndrome. Last evaluated: 2026-03-10. Review status: criteria provided, single submitter. Criteria: Ambry Variant Classification Scheme 2023. Collection method: clinical testing. Allele origin: germline.
Comment: The p.S207I variant (also known as c.620G>T), located in coding exon 3 of the PHOX2B gene, results from a G to T substitution at nucleotide position 620. The serine at codon 207 is replaced by isoleucine, an amino acid with dissimilar properties. This amino acid position is conserved. In addition, this alteration is predicted to be tolerated by in silico analysis. Based on the available evidence, the clinical significance of this variant remains unclear.

Labcorp Genetics (formerly Invitae), Labcorp
Classification: Uncertain significance for Haddad syndrome. Last evaluated: 2023-05-08. Review status: criteria provided, single submitter. Criteria: Invitae Variant Classification Sherloc (09022015). Collection method: clinical testing. Allele origin: germline.
Comment: In summary, the available evidence is currently insufficient to determine the role of this variant in disease. Therefore, it has been classified as a Variant of Uncertain Significance. Advanced modeling of protein sequence and biophysical properties (such as structural, functional, and spatial information, amino acid conservation, physicochemical variation, residue mobility, and thermodynamic stability) performed at Invitae indicates that this missense variant is not expected to disrupt PHOX2B protein function. This variant has not been reported in the literature in individuals affected with PHOX2B-related conditions. This variant is not present in population databases (gnomAD no frequency). This sequence change replaces serine, which is neutral and polar, with isoleucine, which is neutral and non-polar, at codon 207 of the PHOX2B protein (p.Ser207Ile).